The following is an entry in ClinVar:

NM_153006.3(NAGS):c.1398G>A (p.Arg466=)

Gene: NAGS (N-acetylglutamate synthase; plus strand). Cytogenetic location: 17q21.31.
Variant type: single nucleotide variant.
Coding change: c.1398G>A on transcript NM_153006.3 (MANE Select); coding-DNA position 1398, G replaced by A.
Protein change: p.Arg466=; no amino-acid change (arginine 466 retained).
Molecular consequence: synonymous variant.
Genome position (GRCh38, 1-based): chr17:44,007,720, G>A. VCF-style: chr17-44007720-G-A. GRCh37 (hg19) VCF-style: chr17-42085088-G-A.
Identifiers: ClinVar variation 323451 (VCV000323451.20), dbSNP rs369492320, ClinGen allele CA8595390.
Genomic context (GRCh38, chr17:44,007,720, plus strand): 5'-GGTGAGCTCCAGCCGCCAGGGCCAAGGCTCCGGCCAGATGCTGTGGGAGTGCCTGCGGCG[G>A]GACCTTCAGACACTTTTCTGGCGCTCCCGGGTCACCAACCCCATCAATCCCTGGTAGGTC-3'
Protein context (NP_694551.1, residues 456-476): SGQMLWECLR[Arg466=]DLQTLFWRSR

ClinVar aggregate classification (germline): Benign/Likely benign. Review status: criteria provided, multiple submitters, no conflicts (2 of 4 stars). 5 submissions from 5 submitters: Benign (1); Likely benign (3). 1 of the submissions does not count toward it. Last evaluated 2026-01-28.

Conditions:
Hyperammonemia, type III (NAGSD). Also called: Hyperammonemia due to N-acetylglutamate synthase deficiency. Identifiers: Orphanet 927, MedGen C0268543, MONDO:0009377, OMIM 237310.

Allele frequency attached by ClinVar (database versions not stated): gnomAD below 0.00001 and 0.00017; TOPMed 0.00003; ESP Exome Variant Server 0.00008; 1000 Genomes Project 30x 0.00062; gnomAD exomes 0.00067; 1000 Genomes Project 0.00080; ExAC 0.00121.

Submissions (5):

Labcorp Genetics (formerly Invitae), Labcorp
Classification: Benign for Hyperammonemia, type III. Last evaluated: 2026-01-28. Review status: criteria provided, single submitter. Criteria: Invitae Variant Classification Sherloc (09022015). Collection method: clinical testing. Allele origin: germline.

Blueprint Genetics
Classification: Likely benign. Last evaluated: 2024-06-17. Review status: criteria provided, single submitter. Criteria: ACMG Guidelines, 2015. Collection method: clinical testing. Allele origin: germline.

Illumina Laboratory Services, Illumina
Classification: Likely benign for Hyperammonemia, type III. Last evaluated: 2018-01-12. Review status: criteria provided, single submitter. Criteria: ICSL Variant Classification Criteria 13 December 2019. Collection method: clinical testing. Allele origin: germline.
Comment: This variant was observed in the ICSL laboratory as part of a predisposition screen in an ostensibly healthy population. It had not been previously curated by ICSL or reported in the Human Gene Mutation Database (HGMD: prior to June 1st, 2018), and was therefore a candidate for classification through an automated scoring system. Utilizing variant allele frequency, disease prevalence and penetrance estimates, and inheritance mode, an automated score was calculated to assess if this variant is too frequent to cause the disease. Based on the score and internal cut-off values, a variant classified as likely benign is not then subjected to further curation. The score for this variant resulted in a classification of likely benign for this disease.

GeneDx
Classification: Likely benign. Last evaluated: 2017-02-07. Review status: criteria provided, single submitter. Criteria: GeneDx Variant Classification (06012015). Collection method: clinical testing. Allele origin: germline. Affected: yes.
Comment: This variant is considered likely benign or benign based on one or more of the following criteria: it is a conservative change, it occurs at a poorly conserved position in the protein, it is predicted to be benign by multiple in silico algorithms, and/or has population frequency not consistent with disease.

Natera, Inc.
Classification: Likely benign for Hyperammonemia type III. Last evaluated: 2020-01-26. Review status: no assertion criteria provided. Collection method: clinical testing. Allele origin: germline. Not counted in ClinVar's aggregate classification.